The following is an entry in ClinVar:

NM_181882.3(PRX):c.3775G>A (p.Glu1259Lys)

Gene: PRX (periaxin; minus strand). Cytogenetic location: 19q13.2.
Variant type: single nucleotide variant.
Coding change: c.3775G>A on transcript NM_181882.3 (MANE Select); coding-DNA position 3775, G replaced by A.
Protein change: p.Glu1259Lys; replaces glutamic acid 1259 with lysine.
Molecular consequence: missense variant. On other transcripts: 3 prime UTR variant (1).
Genome position (GRCh38, 1-based): chr19:40,394,577, C>T on the plus strand (G>A on the coding strand, the complement: PRX is on the minus strand). VCF-style: chr19-40394577-C-T. GRCh37 (hg19) VCF-style: chr19-40900484-C-T.
Other names: c.*3980G>A (NM_020956.2); short protein forms E1259K.
Identifiers: ClinVar variation 387796 (VCV000387796.12), dbSNP rs751742049, ClinGen allele CA9443788.
Genomic context (GRCh38, chr19:40,394,577, plus strand): 5'-CGTCGGGCAGTGAGAGGCAGAAGGTACGCTCGGCCCCTGGGGGCTGCTCCTCAGCACCCT[C>T]GCCCCCCACCCTAGCTCTGGCCCCCAGTGTGGGCAACTTCAGCCTCAGCCCACCCTCGCC-3'
Protein context (NP_870998.2, residues 1249-1269): TLGARARVGG[Glu1259Lys]GAEEQPPGAE

ClinVar aggregate classification (germline): Uncertain significance. Review status: criteria provided, multiple submitters, no conflicts (2 of 4 stars). 5 submissions from 5 submitters: Uncertain significance (5). Last evaluated 2026-06-10.

Conditions:
PRX-related disorder. Also called: PRX-Related Disorders; PRX-related condition.
Charcot-Marie-Tooth disease type 4. Also called: Charcot-Marie-Tooth disease, type IV; Charcot-Marie-Tooth, Type 4. Identifiers: Orphanet 64749, MedGen C4082197, MONDO:0018995.
Charcot-Marie-Tooth disease type 4F. Also called: Charcot-Marie-Tooth disease, demyelinating, type 4F. Identifiers: Orphanet 99952, MedGen C3540453, MONDO:0013959, OMIM 614895.

Allele frequency attached by ClinVar (database versions not stated): gnomAD 0.00004 and 0.00005; gnomAD exomes 0.00008 and 0.00023; TOPMed 0.00009; ExAC 0.00027.
gnomAD v4.1: 117 of 1,608,762 alleles (0.0073%); highest among the groups gnomAD compares: Admixed American, 0.1%; 1 homozygote.

Submissions (5):

Women's Health and Genetics/Laboratory Corporation of America, LabCorp
Classification: Uncertain significance. Last evaluated: 2026-06-10. Review status: criteria provided, single submitter. Criteria: LabCorp Variant Classification Summary - May 2015. Collection method: clinical testing. Allele origin: germline.
Comment: Variant summary: PRX c.3775G>A (p.Glu1259Lys) results in a conservative amino acid change in the encoded protein sequence. Algorithms developed to predict the effect of missense changes on protein structure and function all suggest that this variant is likely to be tolerated. The variant allele was found at a frequency of 0.00023 in 240136 control chromosomes. This frequency is not significantly higher than estimated for disease-causing variants in PRX, allowing no conclusion about variant significance. c.3775G>A has been observed in at least one individual affected with Charcot-Marie-Tooth disease, without strong evidence of causality (example: Gonzaga-Jauregui_Cell Rep_2015). This report does not provide unequivocal conclusions about association of the variant with disease. To our knowledge, no experimental evidence demonstrating an impact on protein function has been reported. The following publication has been ascertained in the context of this evaluation (PMID: 26257172). ClinVar contains an entry for this variant (Variation ID: 387796). Based on the evidence outlined above, the variant was classified as uncertain significance.

GeneDx
Classification: Uncertain significance. Last evaluated: 2026-01-09. Review status: criteria provided, single submitter. Criteria: GeneDx Variant Classification Process June 2021. Collection method: clinical testing. Allele origin: germline. Affected: yes.
Comment: In silico analysis suggests that this missense variant does not alter protein structure/function; Reported in an individual with Charcot-Marie-Tooth type 1 who was found to have causative variants in other genes (PMID: 26257172); This variant is associated with the following publications: (PMID: 11133365, 26257172)

PreventionGenetics, part of Exact Sciences
Classification: Uncertain significance for PRX-related condition. Last evaluated: 2025-09-17. Review status: criteria provided, single submitter. Criteria: ACMG Guidelines, 2015. Collection method: clinical testing. Allele origin: germline.
Comment: The PRX c.3775G>A variant is predicted to result in the amino acid substitution p.Glu1259Lys. To our knowledge, this variant has not been reported in the literature. This variant is reported in 0.13% of alleles in individuals of Latino descent in gnomAD. Although we suspect that this variant may be benign, at this time, the clinical significance of this variant is uncertain due to the absence of conclusive functional and genetic evidence.

Labcorp Genetics (formerly Invitae), Labcorp
Classification: Uncertain significance for Charcot-Marie-Tooth disease type 4. Last evaluated: 2024-12-02. Review status: criteria provided, single submitter. Criteria: Invitae Variant Classification Sherloc (09022015). Collection method: clinical testing. Allele origin: germline.
Comment: This sequence change replaces glutamic acid, which is acidic and polar, with lysine, which is basic and polar, at codon 1259 of the PRX protein (p.Glu1259Lys). This variant is present in population databases (rs751742049, gnomAD 0.1%). This variant has not been reported in the literature in individuals affected with PRX-related conditions. ClinVar contains an entry for this variant (Variation ID: 387796). Invitae Evidence Modeling of protein sequence and biophysical properties (such as structural, functional, and spatial information, amino acid conservation, physicochemical variation, residue mobility, and thermodynamic stability) indicates that this missense variant is not expected to disrupt PRX protein function with a negative predictive value of 80%. In summary, the available evidence is currently insufficient to determine the role of this variant in disease. Therefore, it has been classified as a Variant of Uncertain Significance.

Illumina Laboratory Services, Illumina
Classification: Uncertain significance for Charcot-Marie-Tooth disease type 4F. Last evaluated: 2017-04-27. Review status: criteria provided, single submitter. Criteria: ICSL Variant Classification Criteria 13 December 2019. Collection method: clinical testing. Allele origin: germline.

Literature cited by the submitters: PubMed 26257172 (cited by Women's Health and Genetics/Laboratory Corporation of America, LabCorp).